The following is an entry in ClinVar:

ClinVar aggregate classification (germline): Uncertain significance (1 of 4 stars; one submission).

Submission:

Labcorp Genetics (formerly Invitae), Labcorp
Classification: Uncertain significance. Last evaluated: 2022-09-23. Review status: criteria provided, single submitter. Criteria: Invitae Variant Classification Sherloc (09022015). Collection method: clinical testing. Allele origin: germline.
Comment: Advanced modeling of protein sequence and biophysical properties (such as structural, functional, and spatial information, amino acid conservation, physicochemical variation, residue mobility, and thermodynamic stability) performed at Invitae indicates that this missense variant is expected to disrupt BEST1 protein function. In summary, the available evidence is currently insufficient to determine the role of this variant in disease. Therefore, it has been classified as a Variant of Uncertain Significance. This variant has not been reported in the literature in individuals affected with BEST1-related conditions. This variant is not present in population databases (gnomAD no frequency). This sequence change replaces serine, which is neutral and polar, with threonine, which is neutral and polar, at codon 209 of the BEST1 protein (p.Ser209Thr).

NM_004183.4(BEST1):c.626G>C (p.Ser209Thr)

Gene: BEST1 (bestrophin 1; plus strand). Cytogenetic location: 11q12.3.
Variant type: single nucleotide variant.
Coding change: c.626G>C on transcript NM_004183.4 (MANE Select); coding-DNA position 626, G replaced by C.
Protein change: p.Ser209Thr; replaces serine 209 with threonine.
Molecular consequence: missense variant. On other transcripts: non-coding transcript variant (1).
Genome position (GRCh38, 1-based): chr11:61,956,988, G>C. VCF-style: chr11-61956988-G-C. GRCh37 (hg19) VCF-style: chr11-61724460-G-C.
Other names: c.446G>C, p.Ser149Thr (NM_001139443.3, NM_001300786.2, NM_001300787.2); c.308G>C, p.Ser103Thr (NM_001363591.3); c.626G>C, p.Ser209Thr (NM_001363592.2); c.-550G>C (NM_001363593.3); short protein forms S103T, S149T, S209T.
Identifiers: ClinVar variation 1720252 (VCV001720252.5), dbSNP rs281865237, ClinGen allele CA380837978.